The following is an entry in ClinVar:

ClinVar aggregate classification (germline): Pathogenic/Likely pathogenic. Review status: criteria provided, multiple submitters, no conflicts (2 of 4 stars). 10 submissions from 10 submitters: Pathogenic (4); Likely pathogenic (3). 3 of the submissions do not count toward it. Last evaluated 2024-04-05.

Conditions:
Epilepsy, progressive myoclonic, 1B. Also called: PME. Identifiers: Orphanet 308, MedGen C2676254, MONDO:0012904, OMIM 612437.

Allele frequency attached by ClinVar (database versions not stated): gnomAD exomes 0.00001; TOPMed 0.00003; ExAC 0.00001; gnomAD 0.00003.
gnomAD v4.1: 26 of 1,614,062 alleles (0.0016%); highest among the groups gnomAD compares: South Asian, 0.0033%; no homozygotes.

Submissions (10):

Greenwood Genetic Center Diagnostic Laboratories, Greenwood Genetic Center
Classification: Likely pathogenic for Epilepsy, progressive myoclonic, 1B. Last evaluated: 2024-04-05. Review status: criteria provided, single submitter. Criteria: ACMG Guidelines, 2015. Collection method: clinical testing. Allele origin: germline. Affected: yes.
Comment: PS3, PM2, PM3, PP1

Genomic Medicine Center of Excellence, King Faisal Specialist Hospital and Research Centre
Classification: Pathogenic for Epilepsy, progressive myoclonic, 1B. Last evaluated: 2024-03-29. Review status: criteria provided, single submitter. Criteria: ACMG Guidelines, 2015. Collection method: clinical testing. Allele origin: germline.

Women's Health and Genetics/Laboratory Corporation of America, LabCorp
Classification: Pathogenic for Epilepsy, progressive myoclonic, 1B. Last evaluated: 2023-11-29. Review status: criteria provided, single submitter. Criteria: LabCorp Variant Classification Summary - May 2015. Collection method: clinical testing. Allele origin: germline.
Comment: Variant summary: PRICKLE1 c.311G>A (p.Arg104Gln) results in a conservative amino acid change located in the PET domain (IPR010442) of the encoded protein sequence. Four of five in-silico tools predict a damaging effect of the variant on protein function. The variant allele was found at a frequency of 1.2e-05 in 251416 control chromosomes. c.311G>A has been reported in the literature in multiple individuals affected with Epilepsy, progressive myoclonic, 1B (Bassuk_2008). These data indicate that the variant is very likely to be associated with disease. At least one publication reports experimental evidence evaluating an impact on protein function suggesting it impacts protein function (Bassuk_2008). The following publications have been ascertained in the context of this evaluation (PMID: 18976727, 32214227, 35040250). Four submitters have cited clinical-significance assessments for this variant to ClinVar after 2014. All submitters classified the variant as pathogenic/likely pathogenic. Based on the evidence outlined above, the variant was classified as pathogenic.

Labcorp Genetics (formerly Invitae), Labcorp
Classification: Pathogenic for Epilepsy, progressive myoclonic, 1B. Last evaluated: 2022-09-14. Review status: criteria provided, single submitter. Criteria: Invitae Variant Classification Sherloc (09022015). Collection method: clinical testing. Allele origin: germline.
Comment: This missense change has been observed in individuals with progressive myoclonic epilepsy (PMID: 18976727, 32214227). It has also been observed to segregate with disease in related individuals. This variant is present in population databases (rs113994140, gnomAD 0.005%). This sequence change replaces arginine, which is basic and polar, with glutamine, which is neutral and polar, at codon 104 of the PRICKLE1 protein (p.Arg104Gln). ClinVar contains an entry for this variant (Variation ID: 2283). For these reasons, this variant has been classified as Pathogenic. Experimental studies have shown that this missense change affects PRICKLE1 function (PMID: 18976727). Advanced modeling of protein sequence and biophysical properties (such as structural, functional, and spatial information, amino acid conservation, physicochemical variation, residue mobility, and thermodynamic stability) performed at Invitae indicates that this missense variant is expected to disrupt PRICKLE1 protein function.

Dubai Health Genomic Medicine Center, Dubai Health
Classification: Likely pathogenic for Epilepsy, progressive myoclonic, 1B. Last evaluated: 2020-08-18. Review status: criteria provided, single submitter. Criteria: ACMG Guidelines, 2015. Collection method: clinical testing. Allele origin: germline. Affected: yes.
Comment: The p. Arg104Gln missense variant in PRICKLE1 has been previously reported in the homozygous in at least 3 unrelated families with progressive myoclonus epilepsy-ataxia (PME) syndrome (PMID: 18976727). Functional studies suggest that this variant disrupts protein function and subcellular localization (PMID: 18976727). The p.Arg104Gln variant was also identified in 5/282818 (0.0018% 0 homozygotes) total alleles in the Genome Aggregation Database. Computational prediction tools and conservation analysis suggest an impact to protein function. In summary this variant meets our criteria to be classified as likely pathogenic.

GeneDx
Classification: Likely pathogenic. Last evaluated: 2017-01-19. Review status: criteria provided, single submitter. Criteria: GeneDx Variant Classification (06012015). Collection method: clinical testing. Allele origin: germline. Affected: yes.
Comment: A published R104Q variant that is likely pathogenic has been identified in the PRICKLE1 gene. The R104Q variant has been previously reported as a homozygous variant in multiple unrelated individuals with progressive myoclonus epilepsy (PME)-ataxia syndrome; individuals in these families who were heterozygous for the variant were not affected (Bassuk et al., 2008). Functional studies suggest that the R104Q variant impairs protein function (Bassuk et al., 2008). The R104Q variant is not observed at a significant frequency in large population cohorts (Lek et al., 2016; 1000 Genomes Consortium et al., 2015; Exome Variant Server). The R104Q variant is a semi-conservative amino acid substitution, which may impact secondary protein structure as these residues differ in some properties. In silico analysis predicts this variant is probably damaging to the protein structure/function. However, this substitution occurs at a position that is not conserved. Therefore, this variant is likely pathogenic; however, the possibility that it is benign cannot be excluded.

Lifecell International Pvt. Ltd
Classification: Pathogenic for Epilepsy, progressive myoclonic, 1B. Review status: criteria provided, single submitter. Criteria: ACMG Guidelines, 2015. Collection method: clinical testing. Allele origin: germline. Inheritance: Autosomal recessive inheritance. Affected: yes. Observed: 1 compound heterozygote.
Comment: A Heterozygous Missense variant c.311G>A in Exon 4 of the PRICKLE1 gene that results in the amino acid substitution p.Arg104Gln was identified. The observed variant has a maximum allele frequency of 0.00001/0.00006% in gnomAD exomes and genomes, respectively. The severity of the impact of this variant on the protein is medium, based on the effect of the protein and REVEL score . Rare Exome Variant Ensemble Learner (REVEL) is an ensembl method for predicting the pathogenicity of missense variants based on a combination of scores from 13 individual tools: MutPred, FATHMM v2.3, VEST 3.0, PolyPhen-2, SIFT, PROVEAN, MutationAssessor, MutationTaster, LRT, GERP++, SiPhy, phyloP, and phastCons. The REVEL score for an individual missense variant can range from 0 to 1, with higher scores reflecting greater likelihood that the variant is disease-causing. ClinVar has also classified this variant as LikelyPathogenic. The p. Arg104Gln missense variant in PRICKLE1 has been previously reported in the homozygous in at least 3 unrelated families with progressive myoclonus epilepsy-ataxia (PME) syndrome. Functional studies suggest that this variant disrupts protein function and subcellular localization (Bassuk AG et al., 2008). Based on the above evidence this variant has been classified as Pathogenic according to the ACMG guidelines.

Section for Clinical Neurogenetics, University of Tübingen
Classification: Likely pathogenic for Epilepsy, progressive myoclonic, 1B. Last evaluated: 2019-08-01. Review status: no assertion criteria provided. Collection method: research. Allele origin: germline. Affected: yes. Not counted in ClinVar's aggregate classification.

OMIM
Classification: Pathogenic for EPILEPSY, PROGRESSIVE MYOCLONIC, 1B. Last evaluated: 2008-11-01. Review status: no assertion criteria provided. Collection method: literature only. Allele origin: germline. Not counted in ClinVar's aggregate classification.

GeneReviews
No classification provided. Condition: Epilepsy, progressive myoclonic, 1B. Review status: no classification provided. Collection method: literature only. Allele origin: unknown. Not counted in ClinVar's aggregate classification.

Literature cited by the submitters: PubMed 32214227 (cited by 3 submitters); PubMed 18976727 (cited by 5 submitters); PubMed 35040250 (cited by Women's Health and Genetics/Laboratory Corporation of America, LabCorp); PubMed 20301774 (cited by GeneReviews); NCBI Bookshelf NBK9674 (cited by GeneReviews).

NM_153026.3(PRICKLE1):c.311G>A (p.Arg104Gln)

Genes: PRICKLE1 (prickle planar cell polarity protein 1; minus strand), LOC130007700 (ATAC-STARR-seq lymphoblastoid active region 6212; plus strand). Cytogenetic location: 12q12.
Variant type: single nucleotide variant.
Coding change: c.311G>A on transcript NM_153026.3 (MANE Select); coding-DNA position 311, G replaced by A.
Protein change: p.Arg104Gln; replaces arginine 104 with glutamine.
Molecular consequence: missense variant.
Genome position (GRCh38, 1-based): chr12:42,469,523, C>T on the plus strand (G>A on the coding strand, the complement: PRICKLE1 is on the minus strand). VCF-style: chr12-42469523-C-T. GRCh37 (hg19) VCF-style: chr12-42863325-C-T.
Other names: c.311G>A, p.Arg104Gln (NM_001144881.2, NM_001144882.2, NM_001144883.2); short protein forms R104Q.
Identifiers: ClinVar variation 2283 (VCV000002283.18), dbSNP rs113994140, ClinGen allele CA339960.